The following is an entry in ClinVar:

ClinVar aggregate classification (germline): Uncertain significance (1 of 4 stars; one submission).

Conditions:
Pyruvate dehydrogenase E3 deficiency (DLDD). Also called: Dihydrolipoamide Dehydrogenase Deficiency; Dihydrolipoamide Dehydrogenase (E3) Deficiency; Dihydrolipoamide Dehydrogenase E3 Deficiency; MAPLE SYRUP URINE DISEASE, TYPE III; DLD DEFICIENCY; E3 DEFICIENCY. Identifiers: Orphanet 2394, Orphanet 765, MedGen C5574660, MONDO:0009529, OMIM 246900.

Submission:

Baylor Genetics
Classification: Uncertain significance for Pyruvate dehydrogenase E3 deficiency. Last evaluated: 2020-05-05. Review status: criteria provided, single submitter. Criteria: ACMG Guidelines, 2015. Collection method: clinical testing. Allele origin: unknown. Affected: yes.
Comment: This variant was determined to be of uncertain significance according to ACMG Guidelines, 2015 [PMID:25741868].

NM_000108.5(DLD):c.656T>C (p.Ile219Thr)

Gene: DLD (dihydrolipoamide dehydrogenase; plus strand). Cytogenetic location: 7q31.1.
Variant type: single nucleotide variant.
Coding change: c.656T>C on transcript NM_000108.5 (MANE Select); coding-DNA position 656, T replaced by C.
Protein change: p.Ile219Thr; replaces isoleucine 219 with threonine.
Molecular consequence: missense variant.
Genome position (GRCh38, 1-based): chr7:107,906,340, T>C. VCF-style: chr7-107906340-T-C. GRCh37 (hg19) VCF-style: chr7-107546785-T-C.
Other names: c.359T>C, p.Ile120Thr (NM_001289750.1); c.587T>C, p.Ile196Thr (NM_001289751.1); c.512T>C, p.Ile171Thr (NM_001289752.1); short protein forms I196T, I120T, I171T, I219T.
Identifiers: ClinVar variation 1028071 (VCV001028071.1), dbSNP rs2032006962, ClinGen allele CA368855886.
Genomic context (GRCh38, chr7:107,906,340, plus strand): 5'-CAATAGTGTCATCTACAGGTGCTTTATCTTTAAAAAAAGTTCCAGAAAAGATGGTTGTTA[T>C]TGGTGCAGGAGTAATAGGTGTAGAATTGGTAAGTGTTGTCTTTCTGCCTCTTATTACCTC-3'
Protein context (NP_000099.2, residues 209-229): LKKVPEKMVV[Ile219Thr]GAGVIGVELG